The following is an entry in ClinVar:

ClinVar aggregate classification (germline): Uncertain significance. Review status: criteria provided, multiple submitters, no conflicts (2 of 4 stars). 2 submissions from 2 submitters: Uncertain significance (2). Last evaluated 2024-07-31.

Conditions:
Inborn genetic diseases. Identifiers: MedGen C0950123, MeSH D030342.

Allele frequency attached by ClinVar (database versions not stated): gnomAD 0.00001; TOPMed 0.00001; gnomAD exomes 0.00002; ExAC 0.00003; ESP Exome Variant Server 0.00008.
gnomAD v4.1: 27 of 1,614,016 alleles (0.0017%); highest among the groups gnomAD compares: Middle Eastern, 0.017%; no homozygotes.

Submissions (2):

Ambry Genetics
Classification: Uncertain significance for Inborn genetic diseases. Last evaluated: 2024-07-31. Review status: criteria provided, single submitter. Criteria: Ambry Variant Classification Scheme 2023. Collection method: clinical testing. Allele origin: germline.

Labcorp Genetics (formerly Invitae), Labcorp
Classification: Uncertain significance. Last evaluated: 2023-08-28. Review status: criteria provided, single submitter. Criteria: Invitae Variant Classification Sherloc (09022015). Collection method: clinical testing. Allele origin: germline.
Comment: In summary, the available evidence is currently insufficient to determine the role of this variant in disease. Therefore, it has been classified as a Variant of Uncertain Significance. An algorithm developed to predict the effect of missense changes on protein structure and function (PolyPhen-2) suggests that this variant is likely to be tolerated. This variant has not been reported in the literature in individuals affected with CDC14A-related conditions. This variant is present in population databases (rs377636796, gnomAD 0.006%). This sequence change replaces cysteine, which is neutral and slightly polar, with tyrosine, which is neutral and polar, at codon 12 of the CDC14A protein (p.Cys12Tyr).

NM_003672.4(CDC14A):c.35G>A (p.Cys12Tyr)

Gene: CDC14A (cell division cycle 14A; plus strand). Cytogenetic location: 1p21.2.
Variant type: single nucleotide variant.
Coding change: c.35G>A on transcript NM_003672.4 (MANE Select); coding-DNA position 35, G replaced by A.
Protein change: p.Cys12Tyr; replaces cysteine 12 with tyrosine.
Molecular consequence: missense variant. On other transcripts: 5 prime UTR variant (1), intron variant (1).
Genome position (GRCh38, 1-based): chr1:100,352,989, G>A. VCF-style: chr1-100352989-G-A. GRCh37 (hg19) VCF-style: chr1-100818545-G-A.
Other names: c.35G>A (NM_033312.2); c.35G>A, p.Cys12Tyr (NM_001319210.2, NM_033312.3, NM_033313.3); c.-757G>A (NM_001319212.2); c.-125-773G>A (NM_001319211.2); short protein forms C12Y.
Identifiers: ClinVar variation 2960110 (VCV002960110.4), dbSNP rs377636796, ClinGen allele CA970394.